The following is an entry in ClinVar:

ClinVar aggregate classification (germline): Uncertain significance (1 of 4 stars; one submission).

Conditions:
Rienhoff syndrome. Also called: LOEYS-DIETZ SYNDROME 5. Identifiers: MedGen C3810012, MONDO:0014262, OMIM 615582.

Submission:

Labcorp Genetics (formerly Invitae), Labcorp
Classification: Uncertain significance for Rienhoff syndrome. Last evaluated: 2021-10-03. Review status: criteria provided, single submitter. Criteria: Invitae Variant Classification Sherloc (09022015). Collection method: clinical testing. Allele origin: germline.
Comment: In summary, the available evidence is currently insufficient to determine the role of this variant in disease. Therefore, it has been classified as a Variant of Uncertain Significance. Variants that disrupt the consensus splice site are a relatively common cause of aberrant splicing (PMID: 17576681, 9536098). Algorithms developed to predict the effect of sequence changes on RNA splicing suggest that this variant may disrupt the consensus splice site. Algorithms developed to predict the effect of missense changes on protein structure and function (SIFT, PolyPhen-2, Align-GVGD) all suggest that this variant is likely to be tolerated. This variant has not been reported in the literature in individuals affected with TGFB3-related conditions. This variant is not present in population databases (ExAC no frequency). This sequence change replaces glutamic acid with lysine at codon 216 of the TGFB3 protein (p.Glu216Lys). The glutamic acid residue is moderately conserved and there is a small physicochemical difference between glutamic acid and lysine. This variant also falls at the last nucleotide of exon 3, which is part of the consensus splice site for this exon.

Literature cited by the submitters: PubMed 17576681; PubMed 9536098.

NM_003239.5(TGFB3):c.646G>A (p.Glu216Lys)

Gene: TGFB3 (transforming growth factor beta 3; minus strand). Cytogenetic location: 14q24.3.
Variant type: single nucleotide variant.
Coding change: c.646G>A on transcript NM_003239.5 (MANE Select); coding-DNA position 646, G replaced by A.
Protein change: p.Glu216Lys; replaces glutamic acid 216 with lysine.
Molecular consequence: missense variant.
Genome position (GRCh38, 1-based): chr14:75,971,126, C>T on the plus strand (G>A on the coding strand, the complement: TGFB3 is on the minus strand). VCF-style: chr14-75971126-C-T. GRCh37 (hg19) VCF-style: chr14-76437469-C-T.
Other names: c.646G>A, p.Glu216Lys (NM_001329938.2, NM_001329939.2); short protein forms E216K.
Identifiers: ClinVar variation 1429771 (VCV001429771.6), dbSNP rs2140245156, ClinGen allele CA390469379.
Genomic context (GRCh38, chr14:75,971,126, plus strand): 5'-CATGGAGGACTAAGGGACCTGAGGTTCATTCTGAAATGCTTATCTGAAGGGTCCACCTAC[C>T]TCTTCTCAACAGCCACTCACGCACAGTGTCAGTGACATCAAAGGACAGCCACTCGGCAGT-3'
Protein context (NP_003230.1, residues 206-226): DTVREWLLRR[Glu216Lys]SNLGLEISIH